The following is an entry in ClinVar:

NM_176824.3(BBS7):c.1209A>G (p.Ala403=)

Gene: BBS7 (Bardet-Biedl syndrome 7; minus strand). Cytogenetic location: 4q27.
Variant type: single nucleotide variant.
Coding change: c.1209A>G on transcript NM_176824.3 (MANE Select); coding-DNA position 1209, A replaced by G.
Protein change: p.Ala403=; no amino-acid change (alanine 403 retained).
Molecular consequence: synonymous variant.
Genome position (GRCh38, 1-based): chr4:121,845,525, T>C on the plus strand (A>G on the coding strand, the complement: BBS7 is on the minus strand). VCF-style: chr4-121845525-T-C. GRCh37 (hg19) VCF-style: chr4-122766680-T-C.
Other names: c.1209A>G, p.Ala403= (NM_018190.4).
Identifiers: ClinVar variation 3347305 (VCV003347305.1).

ClinVar aggregate classification (germline): Likely benign (0 of 4 stars; one submission).

Conditions:
BBS7-related disorder. Also called: BBS7-related condition.

Submission:

PreventionGenetics, part of Exact Sciences
Classification: Likely benign for BBS7-related condition. Last evaluated: 2024-09-25. Review status: no assertion criteria provided. Collection method: clinical testing. Allele origin: germline.
Comment: This variant is classified as likely benign based on ACMG/AMP sequence variant interpretation guidelines (Richards et al. 2015 PMID: 25741868, with internal and published modifications).